The following is an entry in ClinVar:

NM_002519.3(NPAT):c.934A>T (p.Ile312Leu)

Gene: NPAT (nuclear protein, coactivator of histone transcription; minus strand). Cytogenetic location: 11q22.3.
Variant type: single nucleotide variant.
Coding change: c.934A>T on transcript NM_002519.3 (MANE Select); coding-DNA position 934, A replaced by T.
Protein change: p.Ile312Leu; replaces isoleucine 312 with leucine.
Molecular consequence: missense variant.
Genome position (GRCh38, 1-based): chr11:108,177,063, T>A on the plus strand (A>T on the coding strand, the complement: NPAT is on the minus strand). VCF-style: chr11-108177063-T-A. GRCh37 (hg19) VCF-style: chr11-108047790-T-A.
Other names: c.934A>T, p.Ile312Leu (NM_001321307.1); short protein forms I312L.
Identifiers: ClinVar variation 1766649 (VCV001766649.3), dbSNP rs769067898, ClinGen allele CA382517344.

ClinVar aggregate classification (germline): Uncertain significance (1 of 4 stars; one submission).

gnomAD v4.1: 4 of 1,612,768 alleles (0.00025%); highest among the groups gnomAD compares: Non-Finnish European, 0.00034%; no homozygotes.

Submission:

Ambry Genetics
Classification: Uncertain significance. Last evaluated: 2024-06-16. Review status: criteria provided, single submitter. Criteria: Ambry Variant Classification Scheme 2023. Collection method: clinical testing. Allele origin: germline.
Comment: The p.I312L variant (also known as c.934A>T), located in coding exon 11 of the NPAT gene, results from an A to T substitution at nucleotide position 934. The isoleucine at codon 312 is replaced by leucine, an amino acid with highly similar properties. This amino acid position is conserved. In addition, this alteration is predicted to be tolerated by in silico analysis. Since supporting evidence is limited at this time, the clinical significance of this alteration remains unclear.